The following is an entry in ClinVar:

ClinVar aggregate classification (germline): Pathogenic/Likely pathogenic. Review status: criteria provided, multiple submitters, no conflicts (2 of 4 stars). 2 submissions from 2 submitters: Pathogenic (1); Likely pathogenic (1). Last evaluated 2024-03-18.

Conditions:
Familial hypercholesterolemia. Also called: Familial hypercholesterolemias; Familial hypercholesterolaemia. Identifiers: MedGen C0020445, MONDO:0005439.
Hypercholesterolemia, familial, 4 (FHCL4). Also called: HYPERCHOLESTEROLEMIA, AUTOSOMAL RECESSIVE, 1; HYPERCHOLESTEROLEMIA, AUTOSOMAL RECESSIVE, 2. Identifiers: Orphanet 391665, MedGen C1863512, MONDO:0011374, OMIM 603813.

Submissions (2):

Natera, Inc.
Classification: Likely pathogenic for Familial hypercholesterolemia. Last evaluated: 2024-03-18. Review status: criteria provided, single submitter. Criteria: Natera Variant Classification Schema (03/2026). Collection method: clinical testing. Allele origin: germline.
Comment: The c.226delG variant in LDLRAP1 is a frameshift variant predicted to shift the reading frame beginning at codon 76 and leads to a stop codon 13 codons downstream. This variant is expected to result in nonsense mediated decay, truncation, or a dysfunctional protein product. This variant is rare in the general population with a frequency below the threshold expected for the associated phenotype(s). Given the available evidence, this variant is classified as Likely Pathogenic.

Labcorp Genetics (formerly Invitae), Labcorp
Classification: Pathogenic for Hypercholesterolemia, familial, 4. Last evaluated: 2024-03-13. Review status: criteria provided, single submitter. Criteria: Invitae Variant Classification Sherloc (09022015). Collection method: clinical testing. Allele origin: germline.
Comment: This sequence change creates a premature translational stop signal (p.Ala76Leufs*13) in the LDLRAP1 gene. It is expected to result in an absent or disrupted protein product. Loss-of-function variants in LDLRAP1 are known to be pathogenic (PMID: 11326085, 12464675). This variant is not present in population databases (gnomAD no frequency). This variant has not been reported in the literature in individuals affected with LDLRAP1-related conditions. For these reasons, this variant has been classified as Pathogenic.

Literature cited by the submitters: PubMed 11326085 (cited by Labcorp Genetics (formerly Invitae), Labcorp); PubMed 12464675 (cited by Labcorp Genetics (formerly Invitae), Labcorp).

NM_015627.3(LDLRAP1):c.226del (p.Ala76fs)

Gene: LDLRAP1 (low density lipoprotein receptor adaptor protein 1; plus strand). Cytogenetic location: 1p36.11.
Variant type: Deletion.
Coding change: c.226del on transcript NM_015627.3 (MANE Select); coding-DNA position 226, one base deleted (G; older notation c.226delG).
Protein change: p.Ala76fs; shifts the reading frame from alanine 76.
Molecular consequence: frameshift variant.
Genome position (GRCh38, 1-based): chr1:25,554,059, G deleted; the last of 2 consecutive G bases (chr1:25,554,058-25,554,059); deleting either gives the same sequence. VCF-style (leftmost placement, unchanged base first): chr1-25554057-TG-T. GRCh37 (hg19) VCF-style: chr1-25880548-TG-T.
Other names: short protein forms A76fs.
Identifiers: ClinVar variation 3611168 (VCV003611168.3).